The following is an entry in ClinVar:

ClinVar aggregate classification (germline): Likely pathogenic (1 of 4 stars; one submission).

Conditions:
MEGF8-related Carpenter syndrome. Also called: Carpenter syndrome 2. Identifiers: Orphanet 65759, MedGen C3554247, MONDO:0013998, OMIM 614976.

Submission:

NYU Undiagnosed Diseases Program, NYU School of Medicine
Classification: Likely pathogenic for MEGF8-related Carpenter syndrome. Review status: criteria provided, single submitter. Criteria: ACMG Guidelines, 2015. Collection method: research, in vitro. Allele origin: biparental, not applicable. Inheritance: Autosomal recessive inheritance. Affected: yes. Observed: 1 variant allele, 1 homozygote. Functional consequence: effect on RNA splicing.
Comment: This variant is located at the last base of exon 4 (NM_001410.3) and causes the involved 5â€™ splice donor site to not function, based on in vitro analysis of RNA. The loss of this 5â€™ splice donor site led to activation of a cryptic 5â€™ splice donor site inside exon 4 that splices into the normal 3â€™ splice acceptor site of exon 5. The abnormal cryptic 5â€™ splice donor site inside exon 4 leads to loss of the last 88 bp of exon 4 in the transcript, and a predicted subsequent frameshift and early truncation of the protein. The annotation of this abnormal transcript is: NM_001410.3:c.1261_1348del; NP_001258867.1:p.Val218_Gly246del / p.Gly247AlafsTer26.

NM_001271938.2(MEGF8):c.739G>T (p.Gly247Cys)

Gene: MEGF8 (multiple EGF like domains 8; plus strand). Cytogenetic location: 19q13.2.
Variant type: single nucleotide variant.
Coding change: c.739G>T on transcript NM_001271938.2 (MANE Select); coding-DNA position 739, G replaced by T.
Protein change: p.Gly247Cys; replaces glycine 247 with cysteine.
Molecular consequence: missense variant.
Genome position (GRCh38, 1-based): chr19:42,335,215, G>T. VCF-style: chr19-42335215-G-T. GRCh37 (hg19) VCF-style: chr19-42839367-G-T.
Other names: c.739G>T, p.Gly247Cys (NM_001410.3); short protein forms G247C.
Identifiers: ClinVar variation 995802 (VCV000995802.6), dbSNP rs2039109372, ClinGen allele CA406082573.